The following is an entry in ClinVar:

ClinVar aggregate classification (germline): Benign/Likely benign. Review status: criteria provided, multiple submitters, no conflicts (2 of 4 stars). 9 submissions from 6 submitters: Benign (8); Likely benign (1). Last evaluated 2025-07-23.

Conditions:
Cardiovascular phenotype. Identifiers: MedGen CN230736.
Autosomal recessive limb-girdle muscular dystrophy type 2J (LGMDR10). Also called: MUSCULAR DYSTROPHY, LIMB-GIRDLE, AUTOSOMAL RECESSIVE 10; Limb-girdle muscular dystrophy, type 2J. Identifiers: Orphanet 140922, MedGen C1837342, MONDO:0012127, OMIM 608807.
Dilated cardiomyopathy 1G (CMD1G). Identifiers: Orphanet 154, MedGen C1858763, MONDO:0011400, OMIM 604145.
Early-onset myopathy with fatal cardiomyopathy (CMYO5). Also called: CONGENITAL MYOPATHY 5 WITH CARDIOMYOPATHY; Salih Myopathy. Identifiers: Orphanet 289377, MedGen C2673677, MONDO:0012714, OMIM 611705. Disease mechanism: loss of function.
Myopathy, myofibrillar, 9, with early respiratory failure (MFM9). Also called: EDSTROM MYOPATHY; Hereditary myopathy with early respiratory failure; MYOPATHY, PROXIMAL, WITH EARLY RESPIRATORY MUSCLE INVOLVEMENT; Myopathy, distal, with early respiratory failure, autosomal dominant. Identifiers: Orphanet 178464, Orphanet 34521, MedGen C1863599, MONDO:0011362, OMIM 603689.
Tibial muscular dystrophy (TMD). Also called: Tibial muscular dystrophy, tardive; Udd Distal Myopathy – Tibial Muscular Dystrophy; UDD MYOPATHY. Identifiers: Orphanet 609, MedGen C1838244, MONDO:0010870, OMIM 600334.

Allele frequency attached by ClinVar (database versions not stated): TOPMed 0.00003; 1000 Genomes Project 30x 0.00016; 1000 Genomes Project 0.00020; ExAC 0.00083; gnomAD 0.00098 and 0.00100; gnomAD exomes 0.00122.
gnomAD v4.1: 792 of 1,612,080 alleles (0.049%); highest among the groups gnomAD compares: Non-Finnish European, 0.002%; 2 homozygotes.

Submissions (9):

Labcorp Genetics (formerly Invitae), Labcorp
Classification: Benign for Dilated cardiomyopathy 1G; Autosomal recessive limb-girdle muscular dystrophy type 2J. Last evaluated: 2025-07-23. Review status: criteria provided, single submitter. Criteria: Invitae Variant Classification Sherloc (09022015). Collection method: clinical testing. Allele origin: germline.

Blueprint Genetics
Classification: Likely benign. Last evaluated: 2024-09-11. Review status: criteria provided, single submitter. Criteria: ACMG Guidelines, 2015. Collection method: clinical testing. Allele origin: germline.

Athena Diagnostics
Classification: Benign. Last evaluated: 2024-03-20. Review status: criteria provided, single submitter. Criteria: Athena Diagnostics Criteria. Collection method: clinical testing. Allele origin: unknown.

Genome-Nilou Lab
Classification: Benign for Autosomal recessive limb-girdle muscular dystrophy type 2J. Last evaluated: 2021-09-10. Review status: criteria provided, single submitter. Criteria: ACMG Guidelines, 2015. Collection method: clinical testing. Allele origin: germline. Affected: no.

Genome-Nilou Lab
Classification: Benign for Myopathy, myofibrillar, 9, with early respiratory failure. Last evaluated: 2021-09-10. Review status: criteria provided, single submitter. Criteria: ACMG Guidelines, 2015. Collection method: clinical testing. Allele origin: germline. Affected: no.

Genome-Nilou Lab
Classification: Benign for Early-onset myopathy with fatal cardiomyopathy. Last evaluated: 2021-09-10. Review status: criteria provided, single submitter. Criteria: ACMG Guidelines, 2015. Collection method: clinical testing. Allele origin: germline. Affected: no.

Genome-Nilou Lab
Classification: Benign for Tibial muscular dystrophy. Last evaluated: 2021-09-10. Review status: criteria provided, single submitter. Criteria: ACMG Guidelines, 2015. Collection method: clinical testing. Allele origin: germline. Affected: no.

Ambry Genetics
Classification: Benign for Cardiovascular phenotype. Last evaluated: 2020-04-17. Review status: criteria provided, single submitter. Criteria: Ambry Variant Classification Scheme 2023. Collection method: clinical testing. Allele origin: germline.

GeneDx
Classification: Benign. Last evaluated: 2017-02-14. Review status: criteria provided, single submitter. Criteria: GeneDx Variant Classification (06012015). Collection method: clinical testing. Allele origin: germline. Affected: yes.
Comment: This variant is considered likely benign or benign based on one or more of the following criteria: it is a conservative change, it occurs at a poorly conserved position in the protein, it is predicted to be benign by multiple in silico algorithms, and/or has population frequency not consistent with disease.

NM_001267550.2(TTN):c.76523C>A (p.Pro25508Gln)

Genes: TTN (titin; minus strand), TTN-AS1 (TTN antisense RNA 1; plus strand). Cytogenetic location: 2q31.2.
Variant type: single nucleotide variant.
Coding change: c.76523C>A on transcript NM_001267550.2 (MANE Select); coding-DNA position 76523, C replaced by A.
Protein change: p.Pro25508Gln; replaces proline 25508 with glutamine.
Molecular consequence: missense variant.
Genome position (GRCh38, 1-based): chr2:178,569,609, G>T on the plus strand (C>A on the coding strand, the complement: TTN is on the minus strand). VCF-style: chr2-178569609-G-T. GRCh37 (hg19) VCF-style: chr2-179434336-G-T.
Other names: p.P22940Q:CCA>CAA; c.71600C>A, p.Pro23867Gln (NM_001256850.1); c.49328C>A, p.Pro16443Gln (NM_003319.4); c.68819C>A, p.Pro22940Gln (NM_133378.4); c.49703C>A, p.Pro16568Gln (NM_133432.3); c.49904C>A, p.Pro16635Gln (NM_133437.4); c.76523C>A (NM_001267550.1); short protein forms P22940Q, P25508Q, P23867Q, P16443Q, P16568Q, P16635Q.
Identifiers: ClinVar variation 202329 (VCV000202329.16), dbSNP rs188085512, ClinGen allele CA309105.